The following is an entry in ClinVar:

ClinVar aggregate classification (germline): Uncertain significance (1 of 4 stars; one submission).

Submission:

Ambry Genetics
Classification: Uncertain significance. Last evaluated: 2025-04-11. Review status: criteria provided, single submitter. Criteria: Ambry Variant Classification Scheme 2023. Collection method: clinical testing. Allele origin: germline.
Comment: The p.P1804S variant (also known as c.5410C>T), located in coding exon 22 of the WNK2 gene, results from a C to T substitution at nucleotide position 5410. The proline at codon 1804 is replaced by serine, an amino acid with similar properties. This amino acid position is conserved. In addition, this alteration is predicted to be tolerated by in silico analysis. Based on the available evidence, the clinical significance of this variant remains unclear.

NM_006648.4(WNK2):c.5410C>T (p.Pro1804Ser)

Gene: WNK2 (WNK lysine deficient protein kinase 2; plus strand). Cytogenetic location: 9q22.31.
Variant type: single nucleotide variant.
Coding change: c.5410C>T on transcript NM_006648.4 (MANE Select); coding-DNA position 5410, C replaced by T.
Protein change: p.Pro1804Ser; replaces proline 1804 with serine.
Molecular consequence: missense variant.
Genome position (GRCh38, 1-based): chr9:93,292,875, C>T. VCF-style: chr9-93292875-C-T. GRCh37 (hg19) VCF-style: chr9-96055157-C-T.
Other names: c.5521C>T, p.Pro1841Ser (NM_001282394.3); short protein forms P1804S, P1841S.
Identifiers: ClinVar variation 3817283 (VCV003817283.2).